The following is an entry in ClinVar:

NM_001042492.3(NF1):c.8263C>T (p.Leu2755Phe)

Gene: NF1 (neurofibromin 1; plus strand). Cytogenetic location: 17q11.2.
Variant type: single nucleotide variant.
Coding change: c.8263C>T on transcript NM_001042492.3 (MANE Select); coding-DNA position 8263, C replaced by T.
Protein change: p.Leu2755Phe; replaces leucine 2755 with phenylalanine.
Molecular consequence: missense variant.
Genome position (GRCh38, 1-based): chr17:31,360,589, C>T. VCF-style: chr17-31360589-C-T. GRCh37 (hg19) VCF-style: chr17-29687607-C-T.
Other names: c.8200C>T, p.Leu2734Phe (NM_000267.4); short protein forms L2755F, L2734F.
Identifiers: ClinVar variation 2726952 (VCV002726952.3), dbSNP rs2151587966, ClinGen allele CA399204742.

ClinVar aggregate classification (germline): Uncertain significance (1 of 4 stars; one submission).

Conditions:
Neurofibromatosis, type 1 (NF1). Also called: Neurofibromatosis, type I; NEUROFIBROMATOSIS, TYPE I, SOMATIC; Peripheral type neurofibromatosis; VON RECKLINGHAUSEN DISEASE. Identifiers: Orphanet 636, MedGen C0027831, MONDO:0018975, OMIM 162200. Disease mechanism: loss of function.

Submission:

Labcorp Genetics (formerly Invitae), Labcorp
Classification: Uncertain significance for Neurofibromatosis, type 1. Last evaluated: 2023-06-24. Review status: criteria provided, single submitter. Criteria: Invitae Variant Classification Sherloc (09022015). Collection method: clinical testing. Allele origin: germline.
Comment: In summary, the available evidence is currently insufficient to determine the role of this variant in disease. Therefore, it has been classified as a Variant of Uncertain Significance. Advanced modeling of protein sequence and biophysical properties (such as structural, functional, and spatial information, amino acid conservation, physicochemical variation, residue mobility, and thermodynamic stability) has been performed at Invitae for this missense variant, however the output from this modeling did not meet the statistical confidence thresholds required to predict the impact of this variant on NF1 protein function. This variant has not been reported in the literature in individuals affected with NF1-related conditions. This variant is not present in population databases (gnomAD no frequency). This sequence change replaces leucine, which is neutral and non-polar, with phenylalanine, which is neutral and non-polar, at codon 2734 of the NF1 protein (p.Leu2734Phe).